The following is an entry in ClinVar:

NM_000268.4(NF2):c.600-5C>T

Gene: NF2 (NF2, moesin-ezrin-radixin like (MERLIN) tumor suppressor; plus strand). Cytogenetic location: 22q12.2.
Variant type: single nucleotide variant.
Coding change: c.600-5C>T on transcript NM_000268.4 (MANE Select); 5 bases into the intron before coding-DNA position 600, C replaced by T.
Molecular consequence: intron variant.
Genome position (GRCh38, 1-based): chr22:29,658,184, C>T. VCF-style: chr22-29658184-C-T. GRCh37 (hg19) VCF-style: chr22-30054173-C-T.
Other names: c.600-5C>T (NM_016418.5, NM_181832.3, NM_001407060.1 and 4 more transcripts); c.486-5C>T (NM_001407056.1, NM_001407053.1); c.369-5C>T (NM_001407067.1); c.66-5C>T (NM_001407065.1); c.447+15899C>T (NM_181833.3); c.477-5C>T (NM_001407058.1, NM_181829.3, NM_001407054.1 and 1 more transcripts); c.474-5C>T (NM_181828.3, NM_001407055.1); c.351-5C>T (NM_001407063.1, NM_181830.3, NM_001407064.1 and 1 more transcripts).
Identifiers: ClinVar variation 4661431 (VCV004661431.1).
Genomic context (GRCh38, chr22:29,658,184, plus strand): 5'-GTGCCCACCCGCTCTCCACCCATCTCACTTAGCTCCAATGACAGTGTCTTCCGTTCTCCC[C>T]ACAGGGATGAAGCTGAAATGGAATATCTGAAGATAGCTCAGGACCTGGAGATGTACGGTG-3'

ClinVar aggregate classification (germline): Uncertain significance (1 of 4 stars; one submission).

Conditions:
Hereditary cancer-predisposing syndrome. Also called: Neoplastic Syndromes, Hereditary; Tumor predisposition; Hereditary Cancer Syndrome; Hereditary neoplastic syndrome. Identifiers: Orphanet 140162, MedGen C0027672, MeSH D009386, MONDO:0015356.

Submission:

Ambry Genetics
Classification: Uncertain significance for Hereditary cancer-predisposing syndrome. Last evaluated: 2025-10-14. Review status: criteria provided, single submitter. Criteria: Ambry Variant Classification Scheme 2023. Collection method: clinical testing. Allele origin: germline.
Comment: The c.600-5C>T intronic variant results from a C to T substitution 5 nucleotides upstream from coding exon 7 in the NF2 gene. This nucleotide position is not well conserved in available vertebrate species. In silico splice site analysis predicts that this alteration will not have any significant effect on splicing. Based on the available evidence, the clinical significance of this variant remains unclear.